The following is an entry in ClinVar:

ClinVar aggregate classification (germline): Uncertain significance (1 of 4 stars; one submission).

Allele frequency attached by ClinVar (database versions not stated): ExAC 0.00001; gnomAD exomes 0.00001; TOPMed 0.00002.
gnomAD v4.1: 17 of 1,614,016 alleles (0.0011%); highest among the groups gnomAD compares: East Asian, 0.0045%; no homozygotes.

Submission:

Labcorp Genetics (formerly Invitae), Labcorp
Classification: Uncertain significance. Last evaluated: 2023-02-13. Review status: criteria provided, single submitter. Criteria: Invitae Variant Classification Sherloc (09022015). Collection method: clinical testing. Allele origin: germline.
Comment: In summary, the available evidence is currently insufficient to determine the role of this variant in disease. Therefore, it has been classified as a Variant of Uncertain Significance. Algorithms developed to predict the effect of sequence changes on RNA splicing suggest that this variant may create or strengthen a splice site. Algorithms developed to predict the effect of missense changes on protein structure and function are either unavailable or do not agree on the potential impact of this missense change (SIFT: "Tolerated"; PolyPhen-2: "Not Available"; Align-GVGD: "Class C0"). This variant has not been reported in the literature in individuals affected with TRAPPC3-related conditions. This variant is present in population databases (rs758862062, gnomAD 0.003%). This sequence change replaces asparagine, which is neutral and polar, with serine, which is neutral and polar, at codon 137 of the TRAPPC3 protein (p.Asn137Ser).

NM_014408.5(TRAPPC3):c.386A>G (p.Asn129Ser)

Gene: TRAPPC3 (trafficking protein particle complex subunit 3; minus strand). Cytogenetic location: 1p34.3.
Variant type: single nucleotide variant.
Coding change: c.386A>G on transcript NM_014408.5 (MANE Select); coding-DNA position 386, A replaced by G.
Protein change: p.Asn129Ser; replaces asparagine 129 with serine.
Molecular consequence: missense variant. On other transcripts: non-coding transcript variant (1).
Genome position (GRCh38, 1-based): chr1:36,137,833, T>C on the plus strand (A>G on the coding strand, the complement: TRAPPC3 is on the minus strand). VCF-style: chr1-36137833-T-C. GRCh37 (hg19) VCF-style: chr1-36603434-T-C.
Other names: c.410A>G, p.Asn137Ser (NM_001270894.2); c.248A>G, p.Asn83Ser (NM_001270895.2, NM_001270896.2); c.188A>G, p.Asn63Ser (NM_001270897.2); short protein forms N63S, N137S, N83S, N129S.
Identifiers: ClinVar variation 2958861 (VCV002958861.3), dbSNP rs758862062, ClinGen allele CA765266.